The following is an entry in ClinVar:

NM_003072.5(SMARCA4):c.3862C>T (p.Pro1288Ser)

Gene: SMARCA4 (SWI/SNF related BAF chromatin remodeling complex subunit ATPase 4; plus strand). Cytogenetic location: 19p13.2.
Variant type: single nucleotide variant.
Coding change: c.3862C>T on transcript NM_003072.5 (MANE Select); coding-DNA position 3862, C replaced by T.
Protein change: p.Pro1288Ser; replaces proline 1288 with serine.
Molecular consequence: missense variant. On other transcripts: intron variant (6).
Genome position (GRCh38, 1-based): chr19:11,033,854, C>T. VCF-style: chr19-11033854-C-T. GRCh37 (hg19) VCF-style: chr19-11144530-C-T.
Other names: c.3862C>T, p.Pro1288Ser (NM_001128844.3, NM_001128849.3, NM_001387283.1); c.3775-269C>T (NM_001128847.4, NM_001411150.1, NM_001374457.1 and 3 more transcripts); short protein forms P1288S.
Identifiers: ClinVar variation 2452834 (VCV002452834.3), dbSNP rs2146668241, ClinGen allele CA404066841.
Genomic context (GRCh38, chr19:11,033,854, plus strand): 5'-AGTGCCAGCTTCGCCCACACTGCCCCTCCGCCAGCGGGCGTCAACCCCGACTTGGAGGAG[C>T]CACCTCTAAAGGTGAGAGGGGTAGTTCAGTCTCCATGCCCATTCAATCCTCGGCTTCTCG-3'
Protein context (NP_003063.2, residues 1278-1298): PAGVNPDLEE[Pro1288Ser]PLKEEDEVPD

ClinVar aggregate classification (germline): Uncertain significance. Review status: criteria provided, multiple submitters, no conflicts (2 of 4 stars). 2 submissions from 2 submitters: Uncertain significance (2). Last evaluated 2023-12-12.

Conditions:
Rhabdoid tumor predisposition syndrome 2 (RTPS2). Identifiers: Orphanet 231108, Orphanet 69077, MedGen C2750074, MONDO:0013224, OMIM 613325.
Hereditary cancer-predisposing syndrome. Also called: Neoplastic Syndromes, Hereditary; Tumor predisposition; Hereditary neoplastic syndrome; Hereditary Cancer Syndrome. Identifiers: Orphanet 140162, MedGen C0027672, MeSH D009386, MONDO:0015356.

Submissions (2):

Baylor Genetics
Classification: Uncertain significance for Rhabdoid tumor predisposition syndrome 2. Last evaluated: 2023-12-12. Review status: criteria provided, single submitter. Criteria: ACMG Guidelines, 2015. Collection method: clinical testing. Allele origin: unknown.

Ambry Genetics
Classification: Uncertain significance for Hereditary cancer-predisposing syndrome. Last evaluated: 2022-11-10. Review status: criteria provided, single submitter. Criteria: Ambry Variant Classification Scheme 2023. Collection method: clinical testing. Allele origin: germline.
Comment: The p.P1288S variant (also known as c.3862C>T), located in coding exon 26 of the SMARCA4 gene, results from a C to T substitution at nucleotide position 3862. The proline at codon 1288 is replaced by serine, an amino acid with similar properties. This amino acid position is highly conserved in available vertebrate species. In addition, the in silico prediction for this alteration is inconclusive. Missense and in-frame variants in SMARCA4 are known to cause neurodevelopmental disorders; however, such associations with rhabdoid tumor predisposition syndrome including small cell carcinoma of the ovary-hypercalcemic type (SCCOHT) are exceedingly rare (Kosho T et al. Am J Med Genet C Semin Med Genet. 2014 Sep;166C(3):262-75; Jelinic P et al. Nat Genet. 2014 May;46(5):424-6). Based on the supporting evidence, the association of this alteration with Coffin-Siris syndrome is unknown; however, the association of this alteration with rhabdoid tumor predisposition syndrome is unlikely.